The following is an entry in ClinVar:

ClinVar aggregate classification (germline): Likely benign. Review status: criteria provided, multiple submitters, no conflicts (2 of 4 stars). 3 submissions from 3 submitters: Likely benign (3). Last evaluated 2025-11-13.

Conditions:
Cardiovascular phenotype. Identifiers: MedGen CN230736.
DK1-congenital disorder of glycosylation. Also called: CDG Im; DK1 DEFICIENCY; DOLICHOL KINASE DEFICIENCY; CONGENITAL DISORDER OF GLYCOSYLATION, TYPE Im; DOLK-congenital disorder of glycosylation; Carbohydrate deficient glycoprotein syndrome type 1m. Identifiers: Orphanet 91131, MedGen C1835849, MONDO:0012556, OMIM 610768.

Allele frequency attached by ClinVar (database versions not stated): gnomAD exomes below 0.00001; gnomAD 0.00002 and 0.00004; TOPMed 0.00003.

Submissions (3):

Labcorp Genetics (formerly Invitae), Labcorp
Classification: Likely benign for DK1-congenital disorder of glycosylation. Last evaluated: 2025-11-13. Review status: criteria provided, single submitter. Criteria: Invitae Variant Classification Sherloc (09022015). Collection method: clinical testing. Allele origin: germline.

Ambry Genetics
Classification: Likely benign for Cardiovascular phenotype. Last evaluated: 2023-01-29. Review status: criteria provided, single submitter. Criteria: Ambry Variant Classification Scheme 2023. Collection method: clinical testing. Allele origin: germline.

GeneDx
Classification: Likely benign. Last evaluated: 2018-03-21. Review status: criteria provided, single submitter. Criteria: GeneDx Variant Classification (06012015). Collection method: clinical testing. Allele origin: germline. Affected: yes.
Comment: This variant is considered likely benign or benign based on one or more of the following criteria: it is a conservative change, it occurs at a poorly conserved position in the protein, it is predicted to be benign by multiple in silico algorithms, and/or has population frequency not consistent with disease.

NM_014908.4(DOLK):c.1422G>A (p.Glu474=)

Gene: DOLK (dolichol kinase; minus strand). Cytogenetic location: 9q34.11.
Variant type: single nucleotide variant.
Coding change: c.1422G>A on transcript NM_014908.4 (MANE Select); coding-DNA position 1422, G replaced by A.
Protein change: p.Glu474=; no amino-acid change (glutamic acid 474 retained).
Molecular consequence: synonymous variant.
Genome position (GRCh38, 1-based): chr9:128,945,882, C>T on the plus strand (G>A on the coding strand, the complement: DOLK is on the minus strand). VCF-style: chr9-128945882-C-T. GRCh37 (hg19) VCF-style: chr9-131708161-C-T.
Identifiers: ClinVar variation 681044 (VCV000681044.8), dbSNP rs894096556, ClinGen allele CA200444337.
Genomic context (GRCh38, chr9:128,945,882, plus strand): 5'-GTCAAAGATTAAGATCAGAGCTACAGAAATGATCTGCGCAAATATAGATGTCATGGTCCC[C>T]TCAAAAGTCTTTTTGGTTCCAGGCCAGCGGATCTCCCCCATGGTGCTACCGAAGATGGAG-3'
Protein context (NP_055723.1, residues 464-484): IRWPGTKKTF[Glu474=]GTMTSIFAQI